The following is an entry in ClinVar:

ClinVar aggregate classification (germline): Uncertain significance (1 of 4 stars; one submission).

Conditions:
Inborn genetic diseases. Identifiers: MedGen C0950123, MeSH D030342.

Submission:

Ambry Genetics
Classification: Uncertain significance for Inborn genetic diseases. Last evaluated: 2024-10-11. Review status: criteria provided, single submitter. Criteria: Ambry Variant Classification Scheme 2023. Collection method: clinical testing. Allele origin: germline.
Comment: The p.L1211V variant (also known as c.3631C>G), located in coding exon 27 of the LRRK2 gene, results from a C to G substitution at nucleotide position 3631. The leucine at codon 1211 is replaced by valine, an amino acid with highly similar properties. This amino acid position is conserved. In addition, this alteration is predicted to be tolerated by in silico analysis. Based on the available evidence, the clinical significance of this variant remains unclear.

NM_198578.4(LRRK2):c.3631C>G (p.Leu1211Val)

Gene: LRRK2 (leucine rich repeat kinase 2; plus strand). Cytogenetic location: 12q12.
Variant type: single nucleotide variant.
Coding change: c.3631C>G on transcript NM_198578.4 (MANE Select); coding-DNA position 3631, C replaced by G.
Protein change: p.Leu1211Val; replaces leucine 1211 with valine.
Molecular consequence: missense variant.
Genome position (GRCh38, 1-based): chr12:40,303,988, C>G. VCF-style: chr12-40303988-C-G. GRCh37 (hg19) VCF-style: chr12-40697790-C-G.
Other names: short protein forms L1211V.
Identifiers: ClinVar variation 3540719 (VCV003540719.1).